The following is an entry in ClinVar:

NM_001363711.2(DUOX2):c.175C>T (p.Arg59Cys)

Gene: DUOX2 (dual oxidase 2; minus strand). Cytogenetic location: 15q21.1.
Variant type: single nucleotide variant.
Coding change: c.175C>T on transcript NM_001363711.2 (MANE Select); coding-DNA position 175, C replaced by T.
Protein change: p.Arg59Cys; replaces arginine 59 with cysteine.
Molecular consequence: missense variant.
Genome position (GRCh38, 1-based): chr15:45,112,704, G>A on the plus strand (C>T on the coding strand, the complement: DUOX2 is on the minus strand). VCF-style: chr15-45112704-G-A. GRCh37 (hg19) VCF-style: chr15-45404902-G-A.
Other names: c.175C>T, p.Arg59Cys (NM_014080.5); short protein forms R59C.
Identifiers: ClinVar variation 1377267 (VCV001377267.3), dbSNP rs774578957, ClinGen allele CA392279904.

ClinVar aggregate classification (germline): Uncertain significance (1 of 4 stars; one submission).

gnomAD v4.1: 1 of 1,611,800 alleles (0.000062%); no homozygotes.

Submission:

Labcorp Genetics (formerly Invitae), Labcorp
Classification: Uncertain significance. Last evaluated: 2021-08-23. Review status: criteria provided, single submitter. Criteria: Invitae Variant Classification Sherloc (09022015). Collection method: clinical testing. Allele origin: germline.
Comment: This sequence change replaces arginine with cysteine at codon 59 of the DUOX2 protein (p.Arg59Cys). The arginine residue is highly conserved and there is a large physicochemical difference between arginine and cysteine. This variant is not present in population databases (ExAC no frequency). This variant has not been reported in the literature in individuals affected with DUOX2-related conditions. Advanced modeling of protein sequence and biophysical properties (such as structural, functional, and spatial information, amino acid conservation, physicochemical variation, residue mobility, and thermodynamic stability) performed at Invitae indicates that this missense variant is expected to disrupt DUOX2 protein function. In summary, the available evidence is currently insufficient to determine the role of this variant in disease. Therefore, it has been classified as a Variant of Uncertain Significance.